The following is an entry in ClinVar:

NM_017882.3(CLN6):c.*646C>G

Gene: CLN6 (CLN6 transmembrane ER protein; minus strand). Cytogenetic location: 15q23.
Variant type: single nucleotide variant.
Coding change: c.*646C>G on transcript NM_017882.3 (MANE Select); 646 bases downstream of the stop codon, C replaced by G.
Molecular consequence: 3 prime UTR variant.
Genome position (GRCh38, 1-based): chr15:68,207,494, G>C on the plus strand (C>G on the coding strand, the complement: CLN6 is on the minus strand). VCF-style: chr15-68207494-G-C. GRCh37 (hg19) VCF-style: chr15-68499832-G-C.
Identifiers: ClinVar variation 316974 (VCV000316974.6), dbSNP rs144976448, ClinGen allele CA10642471.
Genomic context (GRCh38, chr15:68,207,494, plus strand): 5'-GGCCAGGGTGTCTCCATACCTCATGGGCCTGAGCCTGGGCAGGGGTCTGGAGTGCACATA[G>C]CCCCCAGGCAGGGAGAGGGCAGTGACAGGACAGAGCCACTCATCTGTCCCAAAGCTGCAC-3'

ClinVar aggregate classification (germline): Likely benign. Review status: criteria provided, multiple submitters, no conflicts (2 of 4 stars). 2 submissions from 2 submitters: Likely benign (2). Last evaluated 2018-01-13.

Conditions:
Neuronal ceroid lipofuscinosis. Also called: Neuronal Ceroid Lipofuscinoses. Identifiers: Orphanet 216, Orphanet 79263, MedGen C0027877, MONDO:0016295. Disease mechanism: loss of function.

Allele frequency attached by ClinVar (database versions not stated): 1000 Genomes Project 0.00140; 1000 Genomes Project 30x 0.00265; gnomAD 0.00553 and 0.00573; TOPMed 0.00569; gnomAD exomes 0.00608.

Submissions (2):

Illumina Laboratory Services, Illumina
Classification: Likely benign for Neuronal ceroid lipofuscinosis. Last evaluated: 2018-01-13. Review status: criteria provided, single submitter. Criteria: ICSL Variant Classification Criteria 13 December 2019. Collection method: clinical testing. Allele origin: germline.
Comment: This variant was observed in the ICSL laboratory as part of a predisposition screen in an ostensibly healthy population. It had not been previously curated by ICSL or reported in the Human Gene Mutation Database (HGMD: prior to June 1st, 2018), and was therefore a candidate for classification through an automated scoring system. Utilizing variant allele frequency, disease prevalence and penetrance estimates, and inheritance mode, an automated score was calculated to assess if this variant is too frequent to cause the disease. Based on the score and internal cut-off values, a variant classified as likely benign is not then subjected to further curation. The score for this variant resulted in a classification of likely benign for this disease.

Breakthrough Genomics
Classification: Likely benign. Review status: criteria provided, single submitter. Criteria: ACMG Guidelines, 2015. Collection method: not provided. Allele origin: germline. Inheritance: Autosomal recessive inheritance. Affected: yes.